The following is an entry in ClinVar:

NM_001042492.3(NF1):c.2198C>A (p.Pro733His)

Gene: NF1 (neurofibromin 1; plus strand). Cytogenetic location: 17q11.2.
Variant type: single nucleotide variant.
Coding change: c.2198C>A on transcript NM_001042492.3 (MANE Select); coding-DNA position 2198, C replaced by A.
Protein change: p.Pro733His; replaces proline 733 with histidine.
Molecular consequence: missense variant.
Genome position (GRCh38, 1-based): chr17:31,226,631, C>A. VCF-style: chr17-31226631-C-A. GRCh37 (hg19) VCF-style: chr17-29553649-C-A.
Other names: c.2198C>A, p.Pro733His (NM_000267.4); short protein forms P733H.
Identifiers: ClinVar variation 2856978 (VCV002856978.3), dbSNP rs2151426046, ClinGen allele CA398982472.

ClinVar aggregate classification (germline): Uncertain significance (1 of 4 stars; one submission).

Conditions:
Neurofibromatosis, type 1 (NF1). Also called: VON RECKLINGHAUSEN DISEASE; Neurofibromatosis, type I; Peripheral type neurofibromatosis; NEUROFIBROMATOSIS, TYPE I, SOMATIC. Identifiers: Orphanet 636, MedGen C0027831, MONDO:0018975, OMIM 162200. Disease mechanism: loss of function.

Submission:

Labcorp Genetics (formerly Invitae), Labcorp
Classification: Uncertain significance for Neurofibromatosis, type 1. Last evaluated: 2023-04-28. Review status: criteria provided, single submitter. Criteria: Invitae Variant Classification Sherloc (09022015). Collection method: clinical testing. Allele origin: germline.
Comment: In summary, the available evidence is currently insufficient to determine the role of this variant in disease. Therefore, it has been classified as a Variant of Uncertain Significance. Advanced modeling of protein sequence and biophysical properties (such as structural, functional, and spatial information, amino acid conservation, physicochemical variation, residue mobility, and thermodynamic stability) performed at Invitae indicates that this missense variant is expected to disrupt NF1 protein function. This variant has not been reported in the literature in individuals affected with NF1-related conditions. This variant is not present in population databases (gnomAD no frequency). This sequence change replaces proline, which is neutral and non-polar, with histidine, which is basic and polar, at codon 733 of the NF1 protein (p.Pro733His).